The following is an entry in ClinVar:

NM_003119.4(SPG7):c.2191G>A (p.Ala731Thr)

Gene: SPG7 (SPG7 matrix AAA peptidase subunit, paraplegin; plus strand). Cytogenetic location: 16q24.3.
Variant type: single nucleotide variant.
Coding change: c.2191G>A on transcript NM_003119.4 (MANE Select); coding-DNA position 2191, G replaced by A.
Protein change: p.Ala731Thr; replaces alanine 731 with threonine.
Molecular consequence: missense variant.
Genome position (GRCh38, 1-based): chr16:89,556,896, G>A. VCF-style: chr16-89556896-G-A. GRCh37 (hg19) VCF-style: chr16-89623304-G-A.
Other names: c.2191G>A (NM_003119.3); c.2399G>A, p.Arg800His (NM_001363850.1); short protein forms A731T, R800H.
Identifiers: ClinVar variation 1303997 (VCV001303997.7), dbSNP rs747521455, ClinGen allele CA8244620.
Genomic context (GRCh38, chr16:89,556,896, plus strand): 5'-ATGCTCTGTCTGCCCTGGGGACTCACACACTGCTATGCCTGTTCTTTCTAGCTGGCAAAC[G>A]CCCTTCTGGAAAAGGAAGTGATAAACTATGAGGACATTGAGGCTCTCATTGGCCCGCCGC-3'
Protein context (NP_003110.1, residues 721-741): NLDKLQALAN[Ala731Thr]LLEKEVINYE

ClinVar aggregate classification (germline): Uncertain significance. Review status: criteria provided, multiple submitters, no conflicts (2 of 4 stars). 5 submissions from 5 submitters: Uncertain significance (5). Last evaluated 2026-01-04.

Conditions:
SPG7-related disorder. Also called: SPG7-related condition.
Hereditary spastic paraplegia 7 (SPG7). Also called: Spastic paraplegia 7; Hereditary spastic paraplegia Paraplegin type; Autosomal recessive spastic paraplegia type 7; SPG7-related neurologic disorder; SPASTIC PARAPLEGIA 7, AUTOSOMAL RECESSIVE, WITH OR WITHOUT CEREBELLAR ATAXIA. Identifiers: Orphanet 99013, MedGen C1846564, MONDO:0011803, OMIM 607259.

Allele frequency attached by ClinVar (database versions not stated): ExAC 0.00003; gnomAD 0.00003 and 0.00004; gnomAD exomes 0.00003; TOPMed 0.00006.
gnomAD v4.1: 45 of 1,613,536 alleles (0.0028%); highest among the groups gnomAD compares: Non-Finnish European, 0.0035%; no homozygotes.

Submissions (5):

Labcorp Genetics (formerly Invitae), Labcorp
Classification: Uncertain significance for Hereditary spastic paraplegia 7. Last evaluated: 2026-01-04. Review status: criteria provided, single submitter. Criteria: Invitae Variant Classification Sherloc (09022015). Collection method: clinical testing. Allele origin: germline.
Comment: This sequence change replaces alanine, which is neutral and non-polar, with threonine, which is neutral and polar, at codon 731 of the SPG7 protein (p.Ala731Thr). This variant is present in population databases (rs747521455, gnomAD 0.007%). This missense change has been observed in individual(s) with hereditary spastic paraplegia (PMID: 18200586). ClinVar contains an entry for this variant (Variation ID: 1303997). Invitae Evidence Modeling of protein sequence and biophysical properties (such as structural, functional, and spatial information, amino acid conservation, physicochemical variation, residue mobility, and thermodynamic stability) indicates that this missense variant is not expected to disrupt SPG7 protein function with a negative predictive value of 80%. In summary, the available evidence is currently insufficient to determine the role of this variant in disease. Therefore, it has been classified as a Variant of Uncertain Significance.

PreventionGenetics, part of Exact Sciences
Classification: Uncertain significance for SPG7-related condition. Last evaluated: 2025-05-06. Review status: criteria provided, single submitter. Criteria: ACMG Guidelines, 2015. Collection method: clinical testing. Allele origin: germline.
Comment: The SPG7 c.2191G>A variant is predicted to result in the amino acid substitution p.Ala731Thr. This variant has been reported in the heterozygous state in two individuals with spastic paraplegia; however no additional studies were done to confirm its pathogenicity (Arnoldi et al 2008. PubMed ID: 18200586; Kars ME et al 2021. PubMed ID: 34426522). This variant is reported in 0.0062% of alleles in individuals of European (Non-Finnish) descent in gnomAD. At this time, the clinical significance of this variant is uncertain due to the absence of conclusive functional and genetic evidence.

Blueprint Genetics
Classification: Uncertain significance. Last evaluated: 2022-02-14. Review status: criteria provided, single submitter. Criteria: ACMG Guidelines, 2015. Collection method: clinical testing. Allele origin: germline.

3billion
Classification: Uncertain significance for Hereditary spastic paraplegia 7. Last evaluated: 2022-01-03. Review status: criteria provided, single submitter. Criteria: ACMG Guidelines, 2015. Collection method: clinical testing. Allele origin: germline. Affected: yes. Observed: 1 heterozygote.
Comment: Same nucleotide change resulting in same amino acid change has been previously reported to be associated with SPG7 related disorder (PMID:18200586, PS1_P). It is observed at an extremely low frequency in the gnomAD v2.1.1 dataset (total allele frequency: 0.000032, PM2_M). In silico tool predictions suggest damaging effect of the variant on gene or gene product (3CNET: 0.96, PP3_P). Therefore, this variant is classified as uncertain significance according to the recommendation of ACMG/AMP guideline.

GeneDx
Classification: Uncertain significance. Last evaluated: 2019-09-24. Review status: criteria provided, single submitter. Criteria: GeneDx Variant Classification Process June 2021. Collection method: clinical testing. Allele origin: germline. Affected: yes.
Comment: Not observed at a significant frequency in large population cohorts (Lek et al., 2016); In silico analysis, which includes protein predictors and evolutionary conservation, supports that this variant does not alter protein structure/function; Reported previously as heterozygous in an adult with hereditary spastic paraplegia and absent in the control population (Arnoldi et al., 2008); This variant is associated with the following publications: (PMID: 18200586, 32548375)

Literature cited by the submitters: PubMed 18200586 (cited by Labcorp Genetics (formerly Invitae), Labcorp and 3billion).